The following is an entry in ClinVar:

ClinVar aggregate classification (germline): Uncertain significance (1 of 4 stars; one submission).

Conditions:
Gastrointestinal stromal tumor. Also called: Gastrointestinal stroma tumor; Gastrointestinal stromal tumor, somatic. Identifiers: Orphanet 44890, MedGen C0238198, MeSH D046152, MONDO:0011719, OMIM 606764, HP:0100723.

Submission:

Labcorp Genetics (formerly Invitae), Labcorp
Classification: Uncertain significance for Gastrointestinal stromal tumor. Last evaluated: 2020-12-12. Review status: criteria provided, single submitter. Criteria: Invitae Variant Classification Sherloc (09022015). Collection method: clinical testing. Allele origin: germline.
Comment: In summary, the available evidence is currently insufficient to determine the role of this variant in disease. Therefore, it has been classified as a Variant of Uncertain Significance. Algorithms developed to predict the effect of sequence changes on RNA splicing suggest that this variant may create or strengthen a splice site, but this prediction has not been confirmed by published transcriptional studies. Algorithms developed to predict the effect of missense changes on protein structure and function are either unavailable or do not agree on the potential impact of this missense change (SIFT: "Deleterious"; PolyPhen-2: "Probably Damaging"; Align-GVGD: "Class C15"). This variant has not been reported in the literature in individuals with PDGFRA-related conditions. This variant is not present in population databases (ExAC no frequency). This sequence change replaces arginine with glycine at codon 585 of the PDGFRA protein (p.Arg585Gly). The arginine residue is highly conserved and there is a moderate physicochemical difference between arginine and glycine.

NM_006206.6(PDGFRA):c.1753A>G (p.Arg585Gly)

Gene: PDGFRA (platelet derived growth factor receptor alpha; plus strand). Cytogenetic location: 4q12.
Variant type: single nucleotide variant.
Coding change: c.1753A>G on transcript NM_006206.6 (MANE Select); coding-DNA position 1753, A replaced by G.
Protein change: p.Arg585Gly; replaces arginine 585 with glycine.
Molecular consequence: missense variant.
Genome position (GRCh38, 1-based): chr4:54,274,940, A>G. VCF-style: chr4-54274940-A-G. GRCh37 (hg19) VCF-style: chr4-55141107-A-G.
Other names: c.1828A>G, p.Arg610Gly (NM_001347828.2); c.1753A>G, p.Arg585Gly (NM_001347829.2, NM_001347827.2); c.1792A>G, p.Arg598Gly (NM_001347830.2); short protein forms R585G, R610G, R598G.
Identifiers: ClinVar variation 1429225 (VCV001429225.8), dbSNP rs2110300499, ClinGen allele CA356893236.